The following is an entry in ClinVar:

ClinVar aggregate classification (germline): Likely benign (1 of 4 stars; one submission).

Conditions:
KCNQ1-related disorder. Also called: KCNQ1-related disorders; KCNQ1-related condition. Identifiers: MedGen CN239322.

gnomAD v4.1: 95 of 398,180 alleles (0.024%); highest among the groups gnomAD compares: African/African-American, 0.18%; no homozygotes.

Submission:

PreventionGenetics, part of Exact Sciences
Classification: Likely benign for KCNQ1-related condition. Last evaluated: 2026-05-15. Review status: criteria provided, single submitter. Criteria: ACMG Guidelines, 2015. Collection method: clinical testing. Allele origin: germline.
Comment: This variant is classified as likely benign based on ACMG/AMP sequence variant interpretation guidelines (Richards et al. 2015 PMID: 25741868, with internal and published modifications).

NM_000218.3(KCNQ1):c.1394-17533G>T

Genes: KCNQ1 (potassium voltage-gated channel subfamily Q member 1; plus strand), KCNQ1OT1 (KCNQ1 opposite strand/antisense transcript 1; minus strand). Cytogenetic location: 11p15.5.
Variant type: single nucleotide variant.
Coding change: c.1394-17533G>T on transcript NM_000218.3 (MANE Select); 17533 bases into the intron before coding-DNA position 1394, G replaced by T.
Molecular consequence: intron variant. On other transcripts: non-coding transcript variant (1).
Genome position (GRCh38, 1-based): chr11:2,644,428, G>T. VCF-style: chr11-2644428-G-T. GRCh37 (hg19) VCF-style: chr11-2665658-G-T.
Other names: c.1124-17533G>T (NM_001406837.1); c.1298-17533G>T (NM_001406836.1); c.854-17533G>T (NM_001406838.1); c.1013-17533G>T (NM_181798.2).
Identifiers: ClinVar variation 4986866 (VCV004986866.1).